The following is an entry in ClinVar:

NM_001376.5(DYNC1H1):c.5386G>T (p.Val1796Phe)

Gene: DYNC1H1 (dynein cytoplasmic 1 heavy chain 1; plus strand). Cytogenetic location: 14q32.31.
Variant type: single nucleotide variant.
Coding change: c.5386G>T on transcript NM_001376.5 (MANE Select); coding-DNA position 5386, G replaced by T.
Protein change: p.Val1796Phe; replaces valine 1796 with phenylalanine.
Molecular consequence: missense variant.
Genome position (GRCh38, 1-based): chr14:102,005,189, G>T. VCF-style: chr14-102005189-G-T. GRCh37 (hg19) VCF-style: chr14-102471526-G-T.
Other names: short protein forms V1796F.
Identifiers: ClinVar variation 2499849 (VCV002499849.2), dbSNP rs2503740067, ClinGen allele CA391046881.
Genomic context (GRCh38, chr14:102,005,189, plus strand): 5'-GCGCCCTTGCACTCTGTGCTGAGCAATGTGGAGGTCACCCTCAATGTGTTAGCAGACTCT[G>T]TCCTCATGGAGCAGCCCCCACTCCGAAGGCGGAAGCTAGAACACTTGGTTAGTCTCACAC-3'
Protein context (NP_001367.2, residues 1786-1806): EVTLNVLADS[Val1796Phe]LMEQPPLRRR

ClinVar aggregate classification (germline): Uncertain significance (1 of 4 stars; one submission).

Submission:

GeneDx
Classification: Uncertain significance. Last evaluated: 2024-11-18. Review status: criteria provided, single submitter. Criteria: GeneDx Variant Classification Process June 2021. Collection method: clinical testing. Allele origin: germline.
Comment: Not observed at significant frequency in large population cohorts (gnomAD); In silico analysis supports that this missense variant has a deleterious effect on protein structure/function; Has not been previously published as pathogenic or benign to our knowledge; This variant is associated with the following publications: (PMID: 25512093, 25609763, 26100331)